The following is an entry in ClinVar:

NM_198129.4(LAMA3):c.2809C>T (p.Leu937Phe)

Gene: LAMA3 (laminin subunit alpha 3; plus strand). Cytogenetic location: 18q11.2.
Variant type: single nucleotide variant.
Coding change: c.2809C>T on transcript NM_198129.4 (MANE Select); coding-DNA position 2809, C replaced by T.
Protein change: p.Leu937Phe; replaces leucine 937 with phenylalanine.
Molecular consequence: missense variant.
Genome position (GRCh38, 1-based): chr18:23,827,453, C>T. VCF-style: chr18-23827453-C-T. GRCh37 (hg19) VCF-style: chr18-21407417-C-T.
Other names: c.2809C>T, p.Leu937Phe (NM_001127717.4); c.2809C>T (NM_198129.2); short protein forms L937F.
Identifiers: ClinVar variation 1106255 (VCV001106255.34), dbSNP rs61751701, ClinGen allele CA8915045.

ClinVar aggregate classification (germline): Likely benign. Review status: criteria provided, multiple submitters, no conflicts (2 of 4 stars). 4 submissions from 4 submitters: Likely benign (3). 1 of the submissions does not count toward it. Last evaluated 2025-05-01.

Conditions:
LAMA3-related disorder. Also called: LAMA3-related condition; LAMA3-related disorders.

Allele frequency attached by ClinVar (database versions not stated): 1000 Genomes Project 30x 0.00031; 1000 Genomes Project 0.00040; ExAC 0.00097; gnomAD 0.00097; gnomAD exomes 0.00100 and 0.00132; TOPMed 0.00104; ESP Exome Variant Server 0.00107.
gnomAD v4.1: 2,076 of 1,614,150 alleles (0.13%); highest among the groups gnomAD compares: Non-Finnish European, 0.15%; 4 homozygotes.

Submissions (4):

CeGaT Center for Human Genetics Tuebingen
Classification: Likely benign. Last evaluated: 2025-05-01. Review status: criteria provided, single submitter. Criteria: CeGaT Center For Human Genetics Tuebingen Variant Classification Criteria Version 2. Collection method: clinical testing. Allele origin: germline. Affected: yes. Observed: 2 variant alleles.
Comment: LAMA3: BP4

Labcorp Genetics (formerly Invitae), Labcorp
Classification: Likely benign. Last evaluated: 2020-10-19. Review status: criteria provided, single submitter. Criteria: Invitae Variant Classification Sherloc (09022015). Collection method: clinical testing. Allele origin: germline.

Breakthrough Genomics
Classification: Likely benign. Review status: criteria provided, single submitter. Criteria: ACMG Guidelines, 2015. Collection method: not provided. Allele origin: germline. Inheritance: Autosomal recessive inheritance. Affected: yes.

PreventionGenetics, part of Exact Sciences
Classification: Likely benign for LAMA3-related condition. Last evaluated: 2023-12-29. Review status: no assertion criteria provided. Collection method: clinical testing. Allele origin: germline. Not counted in ClinVar's aggregate classification.
Comment: This variant is classified as likely benign based on ACMG/AMP sequence variant interpretation guidelines (Richards et al. 2015 PMID: 25741868, with internal and published modifications).